The following is an entry in ClinVar:

ClinVar aggregate classification (germline): Uncertain significance (1 of 4 stars; one submission).

Conditions:
Hajdu-Cheney syndrome (HJCYS). Also called: ACROOSTEOLYSIS WITH OSTEOPOROSIS AND CHANGES IN SKULL AND MANDIBLE; Acroosteolysis dominant type; SERPENTINE FIBULA-POLYCYSTIC KIDNEY SYNDROME. Identifiers: Orphanet 955, MedGen C0917715, MONDO:0007057, OMIM 102500.

Submission:

Labcorp Genetics (formerly Invitae), Labcorp
Classification: Uncertain significance for Hajdu-Cheney syndrome. Last evaluated: 2025-03-21. Review status: criteria provided, single submitter. Criteria: Invitae Variant Classification Sherloc (09022015). Collection method: clinical testing. Allele origin: germline.
Comment: This sequence change replaces histidine, which is basic and polar, with glutamine, which is neutral and polar, at codon 2158 of the NOTCH2 protein (p.His2158Gln). This variant is not present in population databases (gnomAD no frequency). This variant has not been reported in the literature in individuals affected with NOTCH2-related conditions. ClinVar contains an entry for this variant (Variation ID: 1515983). Invitae Evidence Modeling of protein sequence and biophysical properties (such as structural, functional, and spatial information, amino acid conservation, physicochemical variation, residue mobility, and thermodynamic stability) indicates that this missense variant is not expected to disrupt NOTCH2 protein function with a negative predictive value of 80%. In summary, the available evidence is currently insufficient to determine the role of this variant in disease. Therefore, it has been classified as a Variant of Uncertain Significance.

NM_024408.4(NOTCH2):c.6474C>A (p.His2158Gln)

Gene: NOTCH2 (notch receptor 2; minus strand). Cytogenetic location: 1p12.
Variant type: single nucleotide variant.
Coding change: c.6474C>A on transcript NM_024408.4 (MANE Select); coding-DNA position 6474, C replaced by A.
Protein change: p.His2158Gln; replaces histidine 2158 with glutamine.
Molecular consequence: missense variant.
Genome position (GRCh38, 1-based): chr1:119,916,248, G>T on the plus strand (C>A on the coding strand, the complement: NOTCH2 is on the minus strand). VCF-style: chr1-119916248-G-T. GRCh37 (hg19) VCF-style: chr1-120458871-G-T.
Other names: short protein forms H2158Q.
Identifiers: ClinVar variation 1515983 (VCV001515983.8), dbSNP rs1649064512, ClinGen allele CA341877881.
Genomic context (GRCh38, chr1:119,916,248, plus strand): 5'-GGCCTGTAAGATCCCAGGGGATGTAATCATTGGAGAGGATGTGGTGTCGGAAACATACGT[G>T]TGAGGAGATTCTAGGGAATCAACAGGGGATAAAGTTACTGAACTCTCAGACAGTTGGACC-3'
Protein context (NP_077719.2, residues 2148-2168): LSPVDSLESP[His2158Gln]TYVSDTTSSP